The following is an entry in ClinVar:

ClinVar aggregate classification (germline): Likely pathogenic (1 of 4 stars; one submission).

Conditions:
Ataxia-telangiectasia syndrome (AT). Also called: Ataxia-telangiectasia, complementation group E; Ataxia telangiectasia (A-T); LOUIS-BAR SYNDROME; Ataxia-telangiectasia, complementation group D; AT, COMPLEMENTATION GROUP C; ATAXIA-TELANGIECTASIA, COMPLEMENTATION GROUP A. Identifiers: Orphanet 100, MedGen C0004135, MONDO:0008840, OMIM 208900.

Submission:

Natera, Inc.
Classification: Likely pathogenic for Ataxia-telangiectasia. Last evaluated: 2024-08-21. Review status: criteria provided, single submitter. Criteria: Natera Variant Classification Schema (03/2026). Collection method: clinical testing. Allele origin: germline.
Comment: The c.3376_3379dup variant in ATM is a frameshift variant predicted to shift the reading frame beginning at codon 1127 and leads to a stop codon 12 codons downstream. This variant is expected to result in nonsense mediated decay, truncation, or a dysfunctional protein product. This variant is rare in the general population with a frequency below the threshold expected for the associated phenotype(s). Given the available evidence, this variant is classified as Likely Pathogenic.

NM_000051.4(ATM):c.3376_3379dup (p.Ala1127fs)

Gene: ATM (ATM serine/threonine kinase; plus strand). Cytogenetic location: 11q22.3.
Variant type: Duplication.
Coding change: c.3376_3379dup on transcript NM_000051.4 (MANE Select); coding-DNA positions 3376 to 3379, 4 bases duplicated (AAAG; older notation c.3376_3379dupAAAG).
Protein change: p.Ala1127fs; shifts the reading frame from alanine 1127.
Molecular consequence: frameshift variant.
Genome position (GRCh38, 1-based): chr11:108,279,582-108,279,585, AAAG duplicated; duplicating any 4 consecutive bases within chr11:108,279,581-108,279,585 gives the same sequence; the c. name uses the placement nearest the transcript's 3' end. VCF-style (leftmost placement, unchanged base first): chr11-108279580-T-TGAAA. GRCh37 (hg19) VCF-style: chr11-108150307-T-TGAAA.
Other names: c.3376_3379dup, p.Ala1127fs (NM_001351834.2); short protein forms A1127fs.
Identifiers: ClinVar variation 4814431 (VCV004814431.1).